The following is an entry in ClinVar:

NM_000540.3(RYR1):c.9077_9086del (p.Gly3026fs)

Gene: RYR1 (ryanodine receptor 1; plus strand). Cytogenetic location: 19q13.2.
Variant type: Deletion.
Coding change: c.9077_9086del on transcript NM_000540.3 (MANE Select); coding-DNA positions 9077 to 9086, 10 bases deleted (GCAGCGGTGG; older notation c.9077_9086delGCAGCGGTGG).
Protein change: p.Gly3026fs; shifts the reading frame from glycine 3026.
Molecular consequence: frameshift variant.
Genome position (GRCh38, 1-based): chr19:38,510,736-38,510,745, GCAGCGGTGG deleted; deleting any 10 consecutive bases within chr19:38,510,733-38,510,745 gives the same sequence; the c. name uses the placement nearest the transcript's 3' end. VCF-style (leftmost placement, unchanged base first): chr19-38510732-CTGGGCAGCGG-C. GRCh37 (hg19) VCF-style: chr19-39001372-CTGGGCAGCGG-C.
Other names: c.9077_9086del, p.Gly3026fs (NM_001042723.2); short protein forms G3026fs.
Identifiers: ClinVar variation 2704455 (VCV002704455.3), dbSNP rs2514395251, ClinGen allele CA2697556554.

ClinVar aggregate classification (germline): Pathogenic (1 of 4 stars; one submission).

Conditions:
RYR1-related disorder. Also called: RYR1-related condition; RYR1-related disorders. Identifiers: MedGen CN239331.

Submission:

Labcorp Genetics (formerly Invitae), Labcorp
Classification: Pathogenic for RYR1-related disorder. Last evaluated: 2023-12-21. Review status: criteria provided, single submitter. Criteria: Invitae Variant Classification Sherloc (09022015). Collection method: clinical testing. Allele origin: germline.
Comment: This sequence change creates a premature translational stop signal (p.Gly3026Alafs*10) in the RYR1 gene. It is expected to result in an absent or disrupted protein product. Loss-of-function variants in RYR1 are known to be pathogenic (PMID: 23919265, 25960145, 28818389, 30611313). This variant is not present in population databases (gnomAD no frequency). This variant has not been reported in the literature in individuals affected with RYR1-related conditions. For these reasons, this variant has been classified as Pathogenic.

Literature cited by the submitters: PubMed 23919265; PubMed 25960145; PubMed 28818389; PubMed 30611313.